The following is an entry in ClinVar:

ClinVar aggregate classification (germline): Uncertain significance (1 of 4 stars; one submission).

Conditions:
Nephronophthisis. Also called: Juvenile Nephronophthisis. Identifiers: Orphanet 655, MedGen C0687120, MONDO:0019005, HP:0000090.

Submission:

Labcorp Genetics (formerly Invitae), Labcorp
Classification: Uncertain significance for Nephronophthisis. Last evaluated: 2022-03-09. Review status: criteria provided, single submitter. Criteria: Invitae Variant Classification Sherloc (09022015). Collection method: clinical testing. Allele origin: germline.
Comment: This sequence change replaces threonine, which is neutral and polar, with alanine, which is neutral and non-polar, at codon 729 of the INVS protein (p.Thr729Ala). This variant is not present in population databases (gnomAD no frequency). This variant has not been reported in the literature in individuals affected with INVS-related conditions. In summary, the available evidence is currently insufficient to determine the role of this variant in disease. Therefore, it has been classified as a Variant of Uncertain Significance. Algorithms developed to predict the effect of missense changes on protein structure and function (SIFT, PolyPhen-2, Align-GVGD) all suggest that this variant is likely to be tolerated.

NM_014425.5(INVS):c.2185A>G (p.Thr729Ala)

Gene: INVS (inversin; plus strand). Cytogenetic location: 9q31.1.
Variant type: single nucleotide variant.
Coding change: c.2185A>G on transcript NM_014425.5 (MANE Select); coding-DNA position 2185, A replaced by G.
Protein change: p.Thr729Ala; replaces threonine 729 with alanine.
Molecular consequence: missense variant. On other transcripts: non-coding transcript variant (1).
Genome position (GRCh38, 1-based): chr9:100,292,442, A>G. VCF-style: chr9-100292442-A-G. GRCh37 (hg19) VCF-style: chr9-103054724-A-G.
Other names: c.1897A>G, p.Thr633Ala (NM_001318381.2); c.1207A>G, p.Thr403Ala (NM_001318382.2); short protein forms T633A, T403A, T729A.
Identifiers: ClinVar variation 2049342 (VCV002049342.4), dbSNP rs2490115050, ClinGen allele CA374242294.